The following is an entry in ClinVar:

NM_173660.5(DOK7):c.548_551del (p.Phe183fs)

Genes: DOK7 (docking protein 7; plus strand), LOC126806951 (CDK7 strongly-dependent group 2 enhancer GRCh37_chr4:3486115-3487314; plus strand). Cytogenetic location: 4p16.3.
Variant type: Deletion.
Coding change: c.548_551del on transcript NM_173660.5 (MANE Select); coding-DNA positions 548 to 551, 4 bases deleted (TCCT; older notation c.548_551delTCCT).
Protein change: p.Phe183fs; shifts the reading frame from phenylalanine 183.
Molecular consequence: frameshift variant. On other transcripts: 5 prime UTR variant (1).
Genome position (GRCh38, 1-based): chr4:3,485,554-3,485,557, TCCT deleted; deleting any 4 consecutive bases within chr4:3,485,552-3,485,557 gives the same sequence; the c. name uses the placement nearest the transcript's 3' end. VCF-style (leftmost placement, unchanged base first): chr4-3485551-TCTTC-T. GRCh37 (hg19) VCF-style: chr4-3487278-TCTTC-T.
Other names: c.537_540del, p.Pro180fs (NM_001164673.2); c.-383_-380del (NM_001256896.2); c.548_551del, p.Phe183fs (NM_001301071.2); c.116_119del, p.Phe39fs (NM_001363811.2); short protein forms F183fs, F39fs, P180fs.
Identifiers: ClinVar variation 1275 (VCV000001275.5), dbSNP rs606231130, ClinGen allele CA251735.
Genomic context (GRCh38, chr4:3,485,551, plus strand): 5'-CAGCCCGCCCTCGGGCCAGACTGACCTGTCTCTGTCCTTCCTCTGCAGGGGCTGGCGTCT[TCTTC>T]CTGTCCTCGGCCGAGGGGGAGCAGATCAGCTTCCTGTTCGACTGCATCGTCCGAGGCATC-3'

ClinVar aggregate classification (germline): Pathogenic. Review status: criteria provided, single submitter (1 of 4 stars). 2 submissions from 2 submitters: Pathogenic (1). 1 of the submissions does not count toward it. Last evaluated 2023-11-28.

Conditions:
Congenital myasthenic syndrome 10. Also called: Myasthenia, limb-girdle, familial. Identifiers: Orphanet 590, MedGen C1850792, MONDO:0009690, OMIM 254300.
Fetal akinesia deformation sequence 1 (FADS1). Also called: Fetal akinesia sequence; Pena-Shokeir syndrome type I. Identifiers: Orphanet 994, MedGen C1276035, MONDO:0100101, OMIM 208150, HP:0001989.

Submissions (2):

Labcorp Genetics (formerly Invitae), Labcorp
Classification: Pathogenic for Congenital myasthenic syndrome 10; Fetal akinesia deformation sequence 1. Last evaluated: 2023-11-28. Review status: criteria provided, single submitter. Criteria: Invitae Variant Classification Sherloc (09022015). Collection method: clinical testing. Allele origin: germline.
Comment: This sequence change creates a premature translational stop signal (p.Phe183Cysfs*62) in the DOK7 gene. While this is not anticipated to result in nonsense mediated decay, it is expected to disrupt the last 322 amino acid(s) of the DOK7 protein. This variant is not present in population databases (gnomAD no frequency). This premature translational stop signal has been observed in individual(s) with congenital myasthenic syndrome (PMID: 16917026, 17452375). In at least one individual the data is consistent with being in trans (on the opposite chromosome) from a pathogenic variant. ClinVar contains an entry for this variant (Variation ID: 1275). Algorithms developed to predict the effect of variants on protein structure and function are not available or were not evaluated for this variant. Experimental studies have shown that this premature translational stop signal affects DOK7 function (PMID: 18567858). This variant disrupts a region of the DOK7 protein in which other variant(s) (p.Pro486Argfs*15) have been determined to be pathogenic (PMID: 29118959). This suggests that this is a clinically significant region of the protein, and that variants that disrupt it are likely to be disease-causing. For these reasons, this variant has been classified as Pathogenic.

OMIM
Classification: Pathogenic for MYASTHENIC SYNDROME, CONGENITAL, 10. Last evaluated: 2006-09-29. Review status: no assertion criteria provided. Collection method: literature only. Allele origin: germline. Not counted in ClinVar's aggregate classification.

Literature cited by the submitters: PubMed 16917026 (cited by Labcorp Genetics (formerly Invitae), Labcorp and OMIM); PubMed 17452375 (cited by Labcorp Genetics (formerly Invitae), Labcorp); PubMed 18567858 (cited by Labcorp Genetics (formerly Invitae), Labcorp); PubMed 29118959 (cited by Labcorp Genetics (formerly Invitae), Labcorp).